The following is an entry in ClinVar:

ClinVar aggregate classification (germline): Conflicting classifications of pathogenicity. Review status: criteria provided, conflicting classifications (1 of 4 stars). 8 submissions from 8 submitters: Uncertain significance (7); Likely benign (1). Last evaluated 2026-09-24.

Conditions:
CDK4-related disorder. Also called: CDK4-related condition.
Familial melanoma. Also called: Hereditary melanoma; Hereditary cutaneous melanoma. Identifiers: Orphanet 618, MedGen C1512419, MONDO:0018961.
Hereditary cancer-predisposing syndrome. Also called: Neoplastic Syndromes, Hereditary; Tumor predisposition; Hereditary neoplastic syndrome; Hereditary Cancer Syndrome. Identifiers: Orphanet 140162, MedGen C0027672, MeSH D009386, MONDO:0015356.

Allele frequency attached by ClinVar (database versions not stated): ExAC 0.00003; gnomAD exomes 0.00004 and 0.00008; gnomAD 0.00007 and 0.00008; ESP Exome Variant Server 0.00008; TOPMed 0.00011.
gnomAD v4.1: 122 of 1,613,370 alleles (0.0076%); highest among the groups gnomAD compares: Non-Finnish European, 0.0098%; no homozygotes.

Submissions (8):

PreventionGenetics, part of Exact Sciences
Classification: Uncertain significance for CDK4-related condition. Last evaluated: 2026-09-24. Review status: criteria provided, single submitter. Criteria: ACMG Guidelines, 2015. Collection method: clinical testing. Allele origin: germline.
Comment: The CDK4 c.886C>T variant is predicted to result in the amino acid substitution p.His296Tyr. This variant has been reported in an individual with cutaneous melanoma (Johansson et al. 2026. PubMed ID: 41763641) and in an individual from a cohort study of hereditary cancer syndromes (Suppl. Table 5 in Tsaousis et al 2019. PubMed ID: 31159747). This variant is reported in 0.016% of alleles in individuals of African descent in gnomAD and has been interpreted as uncertain and likely benign in the ClinVar database (Variation ID: 188345). At this time, the clinical significance of this variant is uncertain due to the absence of conclusive functional and genetic evidence.

Labcorp Genetics (formerly Invitae), Labcorp
Classification: Uncertain significance for Familial melanoma. Last evaluated: 2026-01-19. Review status: criteria provided, single submitter. Criteria: Invitae Variant Classification Sherloc (09022015). Collection method: clinical testing. Allele origin: germline.
Comment: This sequence change replaces histidine, which is basic and polar, with tyrosine, which is neutral and polar, at codon 296 of the CDK4 protein (p.His296Tyr). This variant is present in population databases (rs2227954, gnomAD 0.02%). This variant has not been reported in the literature in individuals affected with CDK4-related conditions. ClinVar contains an entry for this variant (Variation ID: 188345). Invitae Evidence Modeling of protein sequence and biophysical properties (such as structural, functional, and spatial information, amino acid conservation, physicochemical variation, residue mobility, and thermodynamic stability) indicates that this missense variant is not expected to disrupt CDK4 protein function with a negative predictive value of 95%. In summary, the available evidence is currently insufficient to determine the role of this variant in disease. Therefore, it has been classified as a Variant of Uncertain Significance.

Mayo Clinic Laboratories, Mayo Clinic
Classification: Uncertain significance. Last evaluated: 2025-11-16. Review status: criteria provided, single submitter. Criteria: ACMG Guidelines, 2015. Collection method: clinical testing. Allele origin: germline. Observed: 1 variant allele.
Comment: BP4

Women's Health and Genetics/Laboratory Corporation of America, LabCorp
Classification: Uncertain significance. Last evaluated: 2025-10-31. Review status: criteria provided, single submitter. Criteria: LabCorp Variant Classification Summary - May 2015. Collection method: clinical testing. Allele origin: germline.
Comment: Variant summary: CDK4 c.886C>T (p.His296Tyr) results in a conservative amino acid change located in the Protein kinase domain (IPR000719) of the encoded protein sequence. Algorithms developed to predict the effect of missense changes on protein structure and function all suggest that this variant is likely to be tolerated. The variant allele was found at a frequency of 4e-05 in 251478 control chromosomes (gnomAD). The observed variant frequency exceeds the estimated maximal expected allele frequency for disease-causing variants in CDK4. c.886C>T has been observed in the literature as a VUS in at-least one individual undergoing multigene panel testing for hereditary cancer (example, Tsaousis_2019). This report does not provide unequivocal conclusions about association of the variant with Cutaneous Malignant Melanoma. To our knowledge, no experimental evidence demonstrating an impact on protein function has been reported. The following publications have been ascertained in the context of this evaluation (PMID: 26252490, 31159747). ClinVar contains an entry for this variant (Variation ID: 188345). Based on the evidence outlined above, the variant was classified as VUS-possibly benign.

GeneDx
Classification: Uncertain significance. Last evaluated: 2025-09-03. Review status: criteria provided, single submitter. Criteria: GeneDx Variant Classification Process June 2021. Collection method: clinical testing. Allele origin: germline. Affected: yes.
Comment: In silico analysis suggests that this missense variant does not alter protein structure/function; Observed in an individual referred for hereditary cancer testing (PMID: 31159747); This variant is associated with the following publications: (PMID: 26252490, 31159747)

St. Jude Molecular Pathology, St. Jude Children's Research Hospital
Classification: Uncertain significance for Familial melanoma. Last evaluated: 2021-12-08. Review status: criteria provided, single submitter. Criteria: St. Jude Assertion Criteria 2020. Collection method: clinical testing. Allele origin: germline.
Comment: The CDK4 c.886C>T (p.His296Tyr) missense change has a maximum subpopulation frequency of 0.016% in gnomAD v2.1.1. Six of seven in silico tools predict a benign effect of this variant on protein function (BP4), but to our knowledge these predictions have not been confirmed by functional studies. This variant has been reported in an individual referred for genetic testing likely due to a personal or family history of breast and/or ovarian cancer (PMID: 31159747). To our knowledge, this variant has not been reported in individuals with familial melanoma. In summary, this variant meets criteria to be classified as of uncertain significance based on the ACMG/AMP criteria: BP4.

Ambry Genetics
Classification: Likely benign for Hereditary cancer-predisposing syndrome. Last evaluated: 2020-11-05. Review status: criteria provided, single submitter. Criteria: Ambry Variant Classification Scheme 2023. Collection method: clinical testing. Allele origin: germline.

GeneKor MSA
Classification: Uncertain significance for Hereditary cancer-predisposing syndrome. Last evaluated: 2018-08-01. Review status: criteria provided, single submitter. Criteria: ACMG Guidelines, 2015. Collection method: clinical testing. Allele origin: germline. Affected: yes.

Literature cited by the submitters: PubMed 26252490 (cited by Women's Health and Genetics/Laboratory Corporation of America, LabCorp); PubMed 31159747 (cited by Women's Health and Genetics/Laboratory Corporation of America, LabCorp and Ambry Genetics).

NM_000075.4(CDK4):c.886C>T (p.His296Tyr)

Genes: CDK4 (cyclin dependent kinase 4; minus strand), TSPAN31 (tetraspanin 31; plus strand). Cytogenetic location: 12q14.1.
Variant type: single nucleotide variant.
Coding change: c.886C>T on transcript NM_000075.4 (MANE Select); coding-DNA position 886, C replaced by T.
Protein change: p.His296Tyr; replaces histidine 296 with tyrosine.
Molecular consequence: missense variant. On other transcripts: 3 prime UTR variant (3).
Genome position (GRCh38, 1-based): chr12:57,748,551, G>A on the plus strand (C>T on the coding strand, the complement: CDK4 is on the minus strand). VCF-style: chr12-57748551-G-A. GRCh37 (hg19) VCF-style: chr12-58142334-G-A.
Other names: p.His296Tyr; c.*1261G>A (NM_001330168.2, NM_001330169.2, NM_005981.5); short protein forms H296Y.
Identifiers: ClinVar variation 188345 (VCV000188345.28), dbSNP rs2227954, ClinGen allele CA334670.